The following is an entry in ClinVar:

ClinVar aggregate classification (germline): Uncertain significance (1 of 4 stars; one submission).

Allele frequency attached by ClinVar (database versions not stated): TOPMed 0.00001.

Submission:

Labcorp Genetics (formerly Invitae), Labcorp
Classification: Uncertain significance. Last evaluated: 2025-06-12. Review status: criteria provided, single submitter. Criteria: Invitae Variant Classification Sherloc (09022015). Collection method: clinical testing. Allele origin: germline.
Comment: This sequence change replaces arginine, which is basic and polar, with proline, which is neutral and non-polar, at codon 84 of the THBD protein (p.Arg84Pro). This variant is present in population databases (no rsID available, gnomAD 0.01%). This variant has not been reported in the literature in individuals affected with THBD-related conditions. ClinVar contains an entry for this variant (Variation ID: 2972580). An algorithm developed to predict the effect of missense changes on protein structure and function (PolyPhen-2) suggests that this variant is likely to be tolerated. In summary, the available evidence is currently insufficient to determine the role of this variant in disease. Therefore, it has been classified as a Variant of Uncertain Significance.

NM_000361.3(THBD):c.251G>C (p.Arg84Pro)

Gene: THBD (thrombomodulin; minus strand). Cytogenetic location: 20p11.21.
Variant type: single nucleotide variant.
Coding change: c.251G>C on transcript NM_000361.3 (MANE Select); coding-DNA position 251, G replaced by C.
Protein change: p.Arg84Pro; replaces arginine 84 with proline.
Molecular consequence: missense variant.
Genome position (GRCh38, 1-based): chr20:23,049,254, C>G on the plus strand (G>C on the coding strand, the complement: THBD is on the minus strand). VCF-style: chr20-23049254-C-G. GRCh37 (hg19) VCF-style: chr20-23029891-C-G.
Other names: short protein forms R84P.
Identifiers: ClinVar variation 2972580 (VCV002972580.3), dbSNP rs1246691851, ClinGen allele CA408408078.